The following is an entry in ClinVar:

ClinVar aggregate classification (germline): Conflicting classifications of pathogenicity. Review status: criteria provided, conflicting classifications (1 of 4 stars). 3 submissions from 3 submitters: Uncertain significance (2); Likely benign (1). Last evaluated 2025-08-09.

Conditions:
Leigh syndrome (NULS). Also called: Leigh Disease; Leigh's necrotizing encephalopathy; Leigh's disease; LEIGH SYNDROME, NUCLEAR; Leigh Syndrome (mtDNA deletion); Leigh's syndrome. Identifiers: Orphanet 506, MedGen C2931891, MONDO:0009723, OMIM 256000.
Inborn genetic diseases. Identifiers: MedGen C0950123, MeSH D030342.

Allele frequency attached by ClinVar (database versions not stated): 1000 Genomes Project 30x 0.00016.
gnomAD v4.1: 41 of 1,614,056 alleles (0.0025%); highest among the groups gnomAD compares: East Asian, 0.018%; 1 homozygote.

Submissions (3):

Labcorp Genetics (formerly Invitae), Labcorp
Classification: Likely benign for Leigh syndrome. Last evaluated: 2025-08-09. Review status: criteria provided, single submitter. Criteria: Invitae Variant Classification Sherloc (09022015). Collection method: clinical testing. Allele origin: germline.

Ambry Genetics
Classification: Uncertain significance for Inborn genetic diseases. Last evaluated: 2025-07-15. Review status: criteria provided, single submitter. Criteria: Ambry Variant Classification Scheme 2023. Collection method: clinical testing. Allele origin: germline.

Women's Health and Genetics/Laboratory Corporation of America, LabCorp
Classification: Uncertain significance. Last evaluated: 2025-02-28. Review status: criteria provided, single submitter. Criteria: LabCorp Variant Classification Summary - May 2015. Collection method: clinical testing. Allele origin: germline.
Comment: Variant summary: SURF1 c.211G>T (p.Val71Leu) results in a conservative amino acid change in the encoded protein sequence. Three of five in-silico tools predict a benign effect of the variant on protein function. The variant allele was found at a frequency of 7.6e-05 in 251362 control chromosomes. This frequency is not significantly higher than estimated for a pathogenic variant in SURF1 causing Leigh Syndrome (7.6e-05 vs 0.0018), allowing no conclusion about variant significance. To our knowledge, no occurrence of c.211G>T in individuals affected with Leigh Syndrome and no experimental evidence demonstrating its impact on protein function have been reported. ClinVar contains an entry for this variant (Variation ID: 1083128). Based on the evidence outlined above, the variant was classified as uncertain significance.

NM_003172.4(SURF1):c.211G>T (p.Val71Leu)

Gene: SURF1 (SURF1 cytochrome c oxidase assembly factor; minus strand). Cytogenetic location: 9q34.2.
Variant type: single nucleotide variant.
Coding change: c.211G>T on transcript NM_003172.4 (MANE Select); coding-DNA position 211, G replaced by T.
Protein change: p.Val71Leu; replaces valine 71 with leucine.
Molecular consequence: missense variant. On other transcripts: 5 prime UTR variant (1).
Genome position (GRCh38, 1-based): chr9:133,354,853, C>A on the plus strand (G>T on the coding strand, the complement: SURF1 is on the minus strand). VCF-style: chr9-133354853-C-A. GRCh37 (hg19) VCF-style: chr9-136221708-C-A.
Other names: c.-117G>T (NM_001280787.1); c.211G>T (NM_003172.2, NM_003172.3); short protein forms V71L.
Identifiers: ClinVar variation 1083128 (VCV001083128.13), dbSNP rs147993882, ClinGen allele CA200833481.